The following is an entry in ClinVar:

NM_001165963.4(SCN1A):c.5353A>T (p.Ile1785Phe)

Genes: SCN1A (sodium voltage-gated channel alpha subunit 1; minus strand), LOC102724058 (uncharacterized LOC102724058; plus strand). Cytogenetic location: 2q24.3.
Variant type: single nucleotide variant.
Coding change: c.5353A>T on transcript NM_001165963.4 (MANE Select); coding-DNA position 5353, A replaced by T.
Protein change: p.Ile1785Phe; replaces isoleucine 1785 with phenylalanine.
Molecular consequence: missense variant. On other transcripts: non-coding transcript variant (1).
Genome position (GRCh38, 1-based): chr2:165,991,922, T>A on the plus strand (A>T on the coding strand, the complement: SCN1A is on the minus strand). VCF-style: chr2-165991922-T-A. GRCh37 (hg19) VCF-style: chr2-166848432-T-A.
Other names: c.5269A>T, p.Ile1757Phe (NM_001165964.3, NM_001353957.2, NM_001353958.2); c.5353A>T, p.Ile1785Phe (NM_001202435.3, NM_001353948.2); c.5320A>T, p.Ile1774Phe (NM_001353949.2, NM_001353950.2, NM_001353951.2 and 2 more transcripts); c.5317A>T, p.Ile1773Phe (NM_001353954.2, NM_001353955.2); c.5266A>T, p.Ile1756Phe (NM_001353960.2); c.2911A>T, p.Ile971Phe (NM_001353961.2); short protein forms I1756F, I1757F, I971F, I1774F, I1773F, I1785F.
Identifiers: ClinVar variation 863519 (VCV000863519.2), dbSNP rs1689237157, ClinGen allele CA349068030.
Genomic context (GRCh38, chr2:165,991,922, plus strand): 5'-AGTCATCCTCACTCAGAGGCTCTGCACTTTCTTCAGTAGCAACACTGAAGTTCTCCAGGA[T>A]GACCGCGATGTACATGTTCACCACAACCAGGAAGGATATGATGATGTAACTGACAAAAAA-3'
Protein context (NP_001159435.1, residues 1775-1795): LVVVNMYIAV[Ile1785Phe]LENFSVATEE

ClinVar aggregate classification (germline): Uncertain significance (1 of 4 stars; one submission).

Conditions:
Developmental and epileptic encephalopathy. Identifiers: MedGen C5779964, MONDO:0100620.

Submission:

Labcorp Genetics (formerly Invitae), Labcorp
Classification: Uncertain significance for Early infantile epileptic encephalopathy with suppression bursts. Last evaluated: 2019-04-10. Review status: criteria provided, single submitter. Criteria: Invitae Variant Classification Sherloc (09022015). Collection method: clinical testing. Allele origin: germline.
Comment: This sequence change replaces isoleucine with phenylalanine at codon 1785 of the SCN1A protein (p.Ile1785Phe). The isoleucine residue is highly conserved and there is a small physicochemical difference between isoleucine and phenylalanine. This variant is not present in population databases (ExAC no frequency). This variant has not been reported in the literature in individuals with SCN1A-related conditions. Algorithms developed to predict the effect of missense changes on protein structure and function are either unavailable or do not agree on the potential impact of this missense change (SIFT: "Deleterious"; PolyPhen-2: "Probably Damaging"; Align-GVGD: "Class C15"). In summary, the available evidence is currently insufficient to determine the role of this variant in disease. Therefore, it has been classified as a Variant of Uncertain Significance.